The following is an entry in ClinVar:

ClinVar aggregate classification (germline): Benign/Likely benign. Review status: criteria provided, multiple submitters, no conflicts (2 of 4 stars). 3 submissions from 3 submitters: Benign (1); Likely benign (2). Last evaluated 2026-09-01.

Allele frequency attached by ClinVar (database versions not stated): 1000 Genomes Project 30x 0.00062; gnomAD 0.00075 and 0.00079; 1000 Genomes Project 0.00080; ESP Exome Variant Server 0.00087; ExAC 0.00092; gnomAD exomes 0.00092; TOPMed 0.00096.
gnomAD v4.1: 1,359 of 1,612,870 alleles (0.084%); highest among the groups gnomAD compares: Admixed American, 0.24%; 1 homozygote.

Submissions (3):

CeGaT Center for Human Genetics Tuebingen
Classification: Likely benign. Last evaluated: 2026-09-01. Review status: criteria provided, single submitter. Criteria: CeGaT Center For Human Genetics Tuebingen Variant Classification Criteria Version 2. Collection method: clinical testing. Allele origin: germline. Affected: yes. Observed: 5 variant alleles.
Comment: CIT: BP4, BP7

Labcorp Genetics (formerly Invitae), Labcorp
Classification: Benign. Last evaluated: 2025-11-18. Review status: criteria provided, single submitter. Criteria: Invitae Variant Classification Sherloc (09022015). Collection method: clinical testing. Allele origin: germline.

GeneDx
Classification: Likely benign. Last evaluated: 2019-12-07. Review status: criteria provided, single submitter. Criteria: GeneDx Variant Classification Process June 2021. Collection method: clinical testing. Allele origin: germline. Affected: yes.

NM_001206999.2(CIT):c.2118A>G (p.Arg706=)

Gene: CIT (citron rho-interacting serine/threonine kinase; minus strand). Cytogenetic location: 12q24.23.
Variant type: single nucleotide variant.
Coding change: c.2118A>G on transcript NM_001206999.2 (MANE Select); coding-DNA position 2118, A replaced by G.
Protein change: p.Arg706=; no amino-acid change (arginine 706 retained).
Molecular consequence: synonymous variant. On other transcripts: intron variant (1).
Genome position (GRCh38, 1-based): chr12:119,770,875, T>C on the plus strand (A>G on the coding strand, the complement: CIT is on the minus strand). VCF-style: chr12-119770875-T-C. GRCh37 (hg19) VCF-style: chr12-120208679-T-C.
Other names: c.2082+1895A>G (NM_007174.3).
Identifiers: ClinVar variation 717446 (VCV000717446.34), dbSNP rs56003249, ClinGen allele CA6821860.